The following is an entry in ClinVar:

NM_015272.5(RPGRIP1L):c.2981_2982insCA (p.Arg995fs)

Gene: RPGRIP1L (RPGRIP1 like; minus strand). Cytogenetic location: 16q12.2.
Variant type: Insertion.
Coding change: c.2981_2982insCA on transcript NM_015272.5 (MANE Select); coding-DNA positions 2981 to 2982, CA inserted.
Protein change: p.Arg995fs; shifts the reading frame from arginine 995.
Molecular consequence: frameshift variant. On other transcripts: intron variant (2).
Genome position: GRCh38 VCF-style: chr16-53638388-A-ATG. GRCh37 (hg19) VCF-style: chr16-53672300-A-ATG.
Other names: c.2981_2982insCA, p.Arg995fs (NM_001308334.3); c.2959-535_2959-534insAC (NM_001127897.4, NM_001330538.2); short protein forms R995fs.
Identifiers: ClinVar variation 1415134 (VCV001415134.1), dbSNP rs2151040565, ClinGen allele CA2573152386.

ClinVar aggregate classification (germline): Pathogenic (1 of 4 stars; one submission).

Conditions:
Joubert syndrome. Also called: CEREBELLOPARENCHYMAL DISORDER IV; JOUBERT-BOLTSHAUSER SYNDROME; Familial aplasia of the vermis. Identifiers: Orphanet 475, MedGen C5979921, MONDO:0018772.
Meckel-Gruber syndrome. Also called: DYSENCEPHALIA SPLANCHNOCYSTICA; GRUBER SYNDROME; Dysencephalia splachnocystica. Identifiers: Orphanet 564, MedGen C0265215, MONDO:0018921.

Submission:

Labcorp Genetics (formerly Invitae), Labcorp
Classification: Pathogenic for Joubert syndrome; Meckel-Gruber syndrome. Last evaluated: 2021-09-02. Review status: criteria provided, single submitter. Criteria: Invitae Variant Classification Sherloc (09022015). Collection method: clinical testing. Allele origin: germline.
Comment: This sequence change creates a premature translational stop signal (p.Arg995Ilefs*9) in the RPGRIP1L gene. It is expected to result in an absent or disrupted protein product. Loss-of-function variants in RPGRIP1L are known to be pathogenic (PMID: 17558409). This variant is not present in population databases (ExAC no frequency). This variant has not been reported in the literature in individuals affected with RPGRIP1L-related conditions. For these reasons, this variant has been classified as Pathogenic.

Literature cited by the submitters: PubMed 17558409.